The following is an entry in ClinVar:

NM_000138.5(FBN1):c.2340del (p.Gln780fs)

Gene: FBN1 (fibrillin 1; minus strand). Cytogenetic location: 15q21.1.
Variant type: Deletion.
Coding change: c.2340del on transcript NM_000138.5 (MANE Select); coding-DNA position 2340, one base deleted (A; older notation c.2340delA).
Protein change: p.Gln780fs; shifts the reading frame from glutamine 780.
Molecular consequence: frameshift variant.
Genome position (GRCh38, 1-based): chr15:48,496,179, T deleted on the plus strand (A on the coding strand, the reverse complement: FBN1 is on the minus strand); the first of 2 consecutive T bases (chr15:48,496,179-48,496,180); deleting either gives the same sequence. VCF-style (leftmost placement, unchanged base first): chr15-48496178-AT-A. GRCh37 (hg19) VCF-style: chr15-48788375-AT-A.
Other names: c.2340delA (NM_000138.4); short protein forms Q780fs.
Identifiers: ClinVar variation 583257 (VCV000583257.7), dbSNP rs1566911942, ClinGen allele CA891844028.
Genomic context (GRCh38, chr15:48,496,178, plus strand): 5'-CAGGTTTGTAGATAAATCCCTTGGGGCAGGTACAGACAAAACTTCCAGGAGTATTTCTAC[AT>A]TGTCCATTGTCACAAAGGAGACTGTTCAGTACACATTCATTAATATCTGCAAAGTCAATG-3'

ClinVar aggregate classification (germline): Pathogenic (1 of 4 stars; one submission).

Conditions:
Familial thoracic aortic aneurysm and aortic dissection (TAAD). Also called: Thoracic aortic aneurysms and dissections. Identifiers: Orphanet 91387, MedGen C4707243, MONDO:0019625.
Marfan syndrome (MFS). Also called: FBN1-Related Marfan Syndrome; Marfan syndrome type 1; Marfan's syndrome; Marfan syndrome, classic; MARFAN SYNDROME, TYPE I. Identifiers: Orphanet 284963, Orphanet 558, MedGen C0024796, MONDO:0007947, OMIM 154700.

Submission:

Labcorp Genetics (formerly Invitae), Labcorp
Classification: Pathogenic for Marfan syndrome; Familial thoracic aortic aneurysm and aortic dissection. Last evaluated: 2018-06-20. Review status: criteria provided, single submitter. Criteria: Invitae Variant Classification Sherloc (09022015). Collection method: clinical testing. Allele origin: germline.
Comment: For these reasons, this variant has been classified as Pathogenic. Loss-of-function variants in FBN1 are known to be pathogenic (PMID: 17657824, 19293843). This variant has not been reported in the literature in individuals with FBN1-related disease. This variant is not present in population databases (ExAC no frequency). This sequence change creates a premature translational stop signal (p.Gln780Hisfs*23) in the FBN1 gene. It is expected to result in an absent or disrupted protein product.

Literature cited by the submitters: PubMed 17657824; PubMed 19293843.